The following is an entry in ClinVar:

ClinVar aggregate classification (germline): Uncertain significance. Review status: criteria provided, multiple submitters, no conflicts (2 of 4 stars). 2 submissions from 2 submitters: Uncertain significance (2). Last evaluated 2022-06-09.

Conditions:
Epidermolysis bullosa simplex due to plakophilin deficiency. Also called: MCGRATH SYNDROME. Identifiers: Orphanet 158668, MedGen C1858302, MONDO:0011472, OMIM 604536.

Allele frequency attached by ClinVar (database versions not stated): ExAC 0.00001; gnomAD exomes 0.00003; 1000 Genomes Project 30x 0.00016; gnomAD 0.00019 and 0.00021; 1000 Genomes Project 0.00020; TOPMed 0.00051.
gnomAD v4.1: 64 of 1,612,288 alleles (0.004%); highest among the groups gnomAD compares: Admixed American, 0.06%; no homozygotes.

Submissions (2):

Labcorp Genetics (formerly Invitae), Labcorp
Classification: Uncertain significance. Last evaluated: 2022-06-09. Review status: criteria provided, single submitter. Criteria: Invitae Variant Classification Sherloc (09022015). Collection method: clinical testing. Allele origin: germline.
Comment: This variant is present in population databases (rs200975137, gnomAD 0.005%). This sequence change replaces arginine, which is basic and polar, with cysteine, which is neutral and slightly polar, at codon 378 of the PKP1 protein (p.Arg378Cys). This variant has not been reported in the literature in individuals affected with PKP1-related conditions. In summary, the available evidence is currently insufficient to determine the role of this variant in disease. Therefore, it has been classified as a Variant of Uncertain Significance. Algorithms developed to predict the effect of missense changes on protein structure and function (SIFT, PolyPhen-2, Align-GVGD) all suggest that this variant is likely to be tolerated. ClinVar contains an entry for this variant (Variation ID: 875041).

Illumina Laboratory Services, Illumina
Classification: Uncertain significance for Epidermolysis bullosa simplex due to plakophilin deficiency. Last evaluated: 2018-01-13. Review status: criteria provided, single submitter. Criteria: ICSL Variant Classification Criteria 13 December 2019. Collection method: clinical testing. Allele origin: germline.

NM_001005337.3(PKP1):c.1132C>T (p.Arg378Cys)

Gene: PKP1 (plakophilin 1; plus strand). Cytogenetic location: 1q32.1.
Variant type: single nucleotide variant.
Coding change: c.1132C>T on transcript NM_001005337.3 (MANE Select); coding-DNA position 1132, C replaced by T.
Protein change: p.Arg378Cys; replaces arginine 378 with cysteine.
Molecular consequence: missense variant.
Genome position (GRCh38, 1-based): chr1:201,318,695, C>T. VCF-style: chr1-201318695-C-T. GRCh37 (hg19) VCF-style: chr1-201287823-C-T.
Other names: c.1132C>T, p.Arg378Cys (NM_000299.4); short protein forms R378C.
Identifiers: ClinVar variation 875041 (VCV000875041.6), dbSNP rs200975137, ClinGen allele CA1324320.